The following is an entry in ClinVar:

NM_005045.4(RELN):c.5678A>C (p.His1893Pro)

Gene: RELN (reelin; minus strand). Cytogenetic location: 7q22.1.
Variant type: single nucleotide variant.
Coding change: c.5678A>C on transcript NM_005045.4 (MANE Select); coding-DNA position 5678, A replaced by C.
Protein change: p.His1893Pro; replaces histidine 1893 with proline.
Molecular consequence: missense variant.
Genome position (GRCh38, 1-based): chr7:103,557,096, T>G on the plus strand (A>C on the coding strand, the complement: RELN is on the minus strand). VCF-style: chr7-103557096-T-G. GRCh37 (hg19) VCF-style: chr7-103197543-T-G.
Other names: c.5678A>C, p.His1893Pro (NM_173054.3); short protein forms H1893P.
Identifiers: ClinVar variation 1319030 (VCV001319030.2), dbSNP rs2117168025, ClinGen allele CA368741755.

ClinVar aggregate classification (germline): Uncertain significance (1 of 4 stars; one submission).

Submission:

GeneDx
Classification: Uncertain significance. Last evaluated: 2019-04-18. Review status: criteria provided, single submitter. Criteria: GeneDx Variant Classification Process June 2021. Collection method: clinical testing. Allele origin: germline. Affected: yes.
Comment: Has not been previously published as pathogenic or benign to our knowledge; Not observed in large population cohorts (Lek et al., 2016); In silico analysis, which includes protein predictors and evolutionary conservation, supports a deleterious effect